The following is an entry in ClinVar:

NM_005996.4(TBX3):c.1139C>A (p.Ser380Ter)

Gene: TBX3 (T-box transcription factor 3; minus strand). Cytogenetic location: 12q24.21.
Variant type: single nucleotide variant.
Coding change: c.1139C>A on transcript NM_005996.4 (MANE Select); coding-DNA position 1139, C replaced by A.
Protein change: p.Ser380Ter; replaces serine 380 with a stop codon.
Molecular consequence: nonsense.
Genome position (GRCh38, 1-based): chr12:114,674,736, G>T on the plus strand (C>A on the coding strand, the complement: TBX3 is on the minus strand). VCF-style: chr12-114674736-G-T. GRCh37 (hg19) VCF-style: chr12-115112541-G-T.
Other names: c.1199C>A, p.Ser400Ter (NM_016569.4); short protein forms S400*, S380*.
Identifiers: ClinVar variation 4996310 (VCV004996310.1).

ClinVar aggregate classification (germline): Likely pathogenic (1 of 4 stars; one submission).

Conditions:
TBX3-related disorder. Also called: TBX3-related condition.

Submission:

PreventionGenetics, part of Exact Sciences
Classification: Likely pathogenic for TBX3-related condition. Last evaluated: 2025-09-05. Review status: criteria provided, single submitter. Criteria: ACMG Guidelines, 2015. Collection method: clinical testing. Allele origin: germline.
Comment: The TBX3 c.1199C>A variant is predicted to result in premature protein termination (p.Ser400*). To our knowledge, this variant has not been reported in the literature or in a large population database (gnomAD), indicating this variant is rare. Nonsense variants in TBX3 are expected to be pathogenic. This variant is interpreted as likely pathogenic.